The following is an entry in ClinVar:

NM_001148.6(ANK2):c.3883G>C (p.Val1295Leu)

Gene: ANK2 (ankyrin 2; plus strand). Cytogenetic location: 4q26.
Variant type: single nucleotide variant.
Coding change: c.3883G>C on transcript NM_001148.6 (MANE Select); coding-DNA position 3883, G replaced by C.
Protein change: p.Val1295Leu; replaces valine 1295 with leucine.
Molecular consequence: missense variant.
Genome position (GRCh38, 1-based): chr4:113,339,312, G>C. VCF-style: chr4-113339312-G-C. GRCh37 (hg19) VCF-style: chr4-114260468-G-C.
Other names: c.283G>C, p.Val95Leu (NM_001386167.1, NM_001386166.1); c.4024G>C, p.Val1342Leu (NM_001386174.1); c.4000G>C, p.Val1334Leu (NM_001386175.1); c.3868G>C, p.Val1290Leu (NM_001386186.2, NM_001386148.2); c.3748G>C, p.Val1250Leu (NM_001386187.2); c.3883G>C, p.Val1295Leu (NM_020977.5); c.3820G>C, p.Val1274Leu (NM_001354255.2, NM_001354243.2, NM_001386143.1); c.3817G>C, p.Val1273Leu (NM_001354256.2, NM_001354244.2, NM_001386161.1); and 31 more; short protein forms V1134L, V1167L, V1195L, V1200L, V1208L, V1220L, V1224L, V1228L.
Identifiers: ClinVar variation 4880945 (VCV004880945.2).
Genomic context (GRCh38, chr4:113,339,312, plus strand): 5'-GATATTACAGGAACTACGCCATTAACATTTGTCAATGAATGTGTTTCCTTTACAACAAAC[G>C]TGTCTGCCAGGTATCGTTATATAGCACAGAAAAGCCCACTATGATATGTTACCCTCCAAA-3'
Protein context (NP_001139.3, residues 1285-1305): VNECVSFTTN[Val1295Leu]SARFWLIDCR

ClinVar aggregate classification (germline): Uncertain significance (1 of 4 stars; one submission).

Submission:

Dasa
Classification: Uncertain significance. Last evaluated: 2025-12-01. Review status: criteria provided, single submitter. Criteria: DASA Assertion Criteria. Collection method: clinical testing. Allele origin: germline.
Comment: NM_001148.6(ANK2):c.3883G>C (p.Val1295Leu) is a missense variant that results in the substitution of valine with leucine. This variant is absent from population databases. The currently available literature and clinical evidence are not sufficient to establish a definitive association between this variant and the reported condition. Therefore, this variant is classified as a variant of uncertain significance.